The following is an entry in ClinVar:

NM_021044.4(DHH):c.980C>A (p.Pro327Gln)

Gene: DHH (desert hedgehog signaling molecule; minus strand). Cytogenetic location: 12q13.12.
Variant type: single nucleotide variant.
Coding change: c.980C>A on transcript NM_021044.4 (MANE Select); coding-DNA position 980, C replaced by A.
Protein change: p.Pro327Gln; replaces proline 327 with glutamine.
Molecular consequence: missense variant.
Genome position (GRCh38, 1-based): chr12:49,090,070, G>T on the plus strand (C>A on the coding strand, the complement: DHH is on the minus strand). VCF-style: chr12-49090070-G-T. GRCh37 (hg19) VCF-style: chr12-49483853-G-T.
Other names: short protein forms P327Q.
Identifiers: ClinVar variation 933985 (VCV000933985.9), dbSNP rs1939268481, ClinGen allele CA384715112.
Genomic context (GRCh38, chr12:49,090,070, plus strand): 5'-AGAACCGCGTAGCAAGAGGCCAGGACATCGTTCACCAGCAGCGTCCCGTGCGCGGTGAGC[G>T]GCGCGAACACGCCCACGGCTTCCTCCCGCGCCACACGGGCCACGCGCGCTGGCCGAAGCG-3'
Protein context (NP_066382.1, residues 317-337): AREEAVGVFA[Pro327Gln]LTAHGTLLVN

ClinVar aggregate classification (germline): Uncertain significance (1 of 4 stars; one submission).

Conditions:
46,XY sex reversal 7. Also called: DHH-Related 46,XY complete gonadal dysgenesis; GONADAL DYSGENESIS, XY, MALE-LIMITED; 46,XY SEX REVERSAL, PARTIAL OR COMPLETE, DHH-RELATED; 46,XY GONADAL DYSGENESIS, PARTIAL OR COMPLETE, DHH-RELATED. Identifiers: Orphanet 242, MedGen C1856273, MONDO:0009301, OMIM 233420.

Submission:

Labcorp Genetics (formerly Invitae), Labcorp
Classification: Uncertain significance for 46,XY sex reversal 7. Last evaluated: 2019-09-18. Review status: criteria provided, single submitter. Criteria: Invitae Variant Classification Sherloc (09022015). Collection method: clinical testing. Allele origin: germline.
Comment: In summary, the available evidence is currently insufficient to determine the role of this variant in disease. Therefore, it has been classified as a Variant of Uncertain Significance. Algorithms developed to predict the effect of sequence changes on RNA splicing suggest that this variant may create or strengthen a splice site, but this prediction has not been confirmed by published transcriptional studies. Algorithms developed to predict the effect of missense changes on protein structure and function are either unavailable or do not agree on the potential impact of this missense change (SIFT: "Deleterious"; PolyPhen-2: "Probably Damaging"; Align-GVGD: "Class C0"). This variant has not been reported in the literature in individuals with DHH-related conditions. The frequency data for this variant in the population databases is considered unreliable, as metrics indicate insufficient coverage at this position in the ExAC database. This sequence change replaces proline with glutamine at codon 327 of the DHH protein (p.Pro327Gln). The proline residue is highly conserved and there is a moderate physicochemical difference between proline and glutamine.